The following is an entry in ClinVar:

NM_003200.5(TCF3):c.1909C>A (p.Leu637Ile)

Gene: TCF3 (transcription factor 3; minus strand). Cytogenetic location: 19p13.3.
Variant type: single nucleotide variant.
Coding change: c.1909C>A on transcript NM_003200.5 (MANE Select); coding-DNA position 1909, C replaced by A.
Protein change: p.Leu637Ile; replaces leucine 637 with isoleucine.
Molecular consequence: missense variant.
Genome position (GRCh38, 1-based): chr19:1,611,763, G>T on the plus strand (C>A on the coding strand, the complement: TCF3 is on the minus strand). VCF-style: chr19-1611763-G-T. GRCh37 (hg19) VCF-style: chr19-1611762-G-T.
Other names: c.1900C>A, p.Leu634Ile (NM_001136139.4, NM_001351779.2); c.1906C>A, p.Leu636Ile (NM_001351778.2); short protein forms L634I, L636I, L637I.
Identifiers: ClinVar variation 1720237 (VCV001720237.5), dbSNP rs1206164330, ClinGen allele CA403048107.

ClinVar aggregate classification (germline): Uncertain significance (1 of 4 stars; one submission).

Submission:

Labcorp Genetics (formerly Invitae), Labcorp
Classification: Uncertain significance. Last evaluated: 2022-09-23. Review status: criteria provided, single submitter. Criteria: Invitae Variant Classification Sherloc (09022015). Collection method: clinical testing. Allele origin: germline.
Comment: Advanced modeling of protein sequence and biophysical properties (such as structural, functional, and spatial information, amino acid conservation, physicochemical variation, residue mobility, and thermodynamic stability) performed at Invitae indicates that this missense variant is expected to disrupt TCF3 protein function. This variant has not been reported in the literature in individuals affected with TCF3-related conditions. This variant is not present in population databases (gnomAD no frequency). This sequence change replaces leucine, which is neutral and non-polar, with isoleucine, which is neutral and non-polar, at codon 637 of the TCF3 protein (p.Leu637Ile). In summary, the available evidence is currently insufficient to determine the role of this variant in disease. Therefore, it has been classified as a Variant of Uncertain Significance.